The following is an entry in ClinVar:

ClinVar aggregate classification (germline): Uncertain significance (1 of 4 stars; one submission).

Submission:

Labcorp Genetics (formerly Invitae), Labcorp
Classification: Uncertain significance. Last evaluated: 2021-10-07. Review status: criteria provided, single submitter. Criteria: Invitae Variant Classification Sherloc (09022015). Collection method: clinical testing. Allele origin: germline.
Comment: In summary, the available evidence is currently insufficient to determine the role of this variant in disease. Therefore, it has been classified as a Variant of Uncertain Significance. This variant is not present in population databases (ExAC no frequency). This sequence change replaces serine with glycine at codon 243 of the CWC27 protein (p.Ser243Gly). The serine residue is highly conserved and there is a small physicochemical difference between serine and glycine. This variant has not been reported in the literature in individuals affected with CWC27-related conditions. Algorithms developed to predict the effect of missense changes on protein structure and function are either unavailable or do not agree on the potential impact of this missense change (SIFT: "Deleterious"; PolyPhen-2: "Benign"; Align-GVGD: "Class C55").

NM_005869.4(CWC27):c.727A>G (p.Ser243Gly)

Gene: CWC27 (CWC27 spliceosome associated cyclophilin; plus strand). Cytogenetic location: 5q12.3.
Variant type: single nucleotide variant.
Coding change: c.727A>G on transcript NM_005869.4 (MANE Select); coding-DNA position 727, A replaced by G.
Protein change: p.Ser243Gly; replaces serine 243 with glycine.
Molecular consequence: missense variant.
Genome position (GRCh38, 1-based): chr5:64,800,305, A>G. VCF-style: chr5-64800305-A-G. GRCh37 (hg19) VCF-style: chr5-64096132-A-G.
Other names: c.727A>G, p.Ser243Gly (NM_001297644.1, NM_001297645.2, NM_001318000.2 and 1 more transcripts); short protein forms S243G.
Identifiers: ClinVar variation 1484259 (VCV001484259.6), dbSNP rs1744444341, ClinGen allele CA359831893.